The following is an entry in ClinVar:

ClinVar aggregate classification (germline): Uncertain significance (1 of 4 stars; one submission).

gnomAD v4.1: 5 of 1,608,096 alleles (0.00031%); highest among the groups gnomAD compares: African/African-American, 0.0067%; no homozygotes.

Submission:

GeneDx
Classification: Uncertain significance. Last evaluated: 2021-04-16. Review status: criteria provided, single submitter. Criteria: GeneDx Variant Classification Process June 2021. Collection method: clinical testing. Allele origin: germline. Affected: yes.
Comment: Not observed at a significant frequency in large population cohorts (Lek et al., 2016); In silico analysis supports that this variant does not alter splicing; Has not been previously published as pathogenic or benign to our knowledge

NM_000282.4(PCCA):c.2118G>C (p.Thr706=)

Gene: PCCA (propionyl-CoA carboxylase subunit alpha; plus strand). Cytogenetic location: 13q32.3.
Variant type: single nucleotide variant.
Coding change: c.2118G>C on transcript NM_000282.4 (MANE Select); coding-DNA position 2118, G replaced by C.
Protein change: p.Thr706=; no amino-acid change (threonine 706 retained).
Molecular consequence: synonymous variant. On other transcripts: non-coding transcript variant (5).
Genome position (GRCh38, 1-based): chr13:100,527,752, G>C. VCF-style: chr13-100527752-G-C. GRCh37 (hg19) VCF-style: chr13-101180006-G-C.
Other names: c.2040G>C, p.Thr680= (NM_001127692.3); c.1977G>C, p.Thr659= (NM_001178004.2); c.2064G>C, p.Thr688= (NM_001352605.2); c.1974G>C, p.Thr658= (NM_001352606.2); c.1899G>C, p.Thr633= (NM_001352607.2); c.1896G>C, p.Thr632= (NM_001352608.2); c.1173G>C, p.Thr391= (NM_001352610.2); c.1119G>C, p.Thr373= (NM_001352611.2); and 1 more.
Identifiers: ClinVar variation 1314860 (VCV001314860.2), dbSNP rs758468297, ClinGen allele CA255372001.